The following is an entry in ClinVar:

NM_000268.4(NF2):c.860C>T (p.Ser287Phe)

Gene: NF2 (NF2, moesin-ezrin-radixin like (MERLIN) tumor suppressor; plus strand). Cytogenetic location: 22q12.2.
Variant type: single nucleotide variant.
Coding change: c.860C>T on transcript NM_000268.4 (MANE Select); coding-DNA position 860, C replaced by T.
Protein change: p.Ser287Phe; replaces serine 287 with phenylalanine.
Molecular consequence: missense variant. On other transcripts: non-coding transcript variant (1), intron variant (1).
Genome position (GRCh38, 1-based): chr22:29,665,039, C>T. VCF-style: chr22-29665039-C-T. GRCh37 (hg19) VCF-style: chr22-30061028-C-T.
Other names: c.746C>T, p.Ser249Phe (NM_001407056.1, NM_001407053.1); c.725C>T, p.Ser242Phe (NM_001407057.1, NM_001407059.1); c.737C>T, p.Ser246Phe (NM_001407058.1, NM_001407054.1, NM_181829.3); c.860C>T, p.Ser287Phe (NM_001407060.1, NM_001407066.1, NM_016418.5 and 2 more transcripts); c.602C>T, p.Ser201Phe (NM_001407062.1); c.611C>T, p.Ser204Phe (NM_001407063.1, NM_001407064.1, NM_181830.3 and 1 more transcripts); c.326C>T, p.Ser109Phe (NM_001407065.1); c.734C>T, p.Ser245Phe (NM_001407055.1, NM_181828.3); and 2 more; short protein forms S242F, S249F, S109F, S201F, S204F, S287F, S245F, S246F.
Identifiers: ClinVar variation 3299425 (VCV003299425.1).

ClinVar aggregate classification (germline): Uncertain significance (1 of 4 stars; one submission).

Conditions:
Hereditary cancer-predisposing syndrome. Also called: Tumor predisposition; Hereditary Cancer Syndrome; Hereditary neoplastic syndrome; Neoplastic Syndromes, Hereditary. Identifiers: Orphanet 140162, MedGen C0027672, MeSH D009386, MONDO:0015356.

Submission:

Ambry Genetics
Classification: Uncertain significance for Hereditary cancer-predisposing syndrome. Last evaluated: 2024-04-24. Review status: criteria provided, single submitter. Criteria: Ambry Variant Classification Scheme 2023. Collection method: clinical testing. Allele origin: germline.
Comment: The p.S287F variant (also known as c.860C>T), located in coding exon 9 of the NF2 gene, results from a C to T substitution at nucleotide position 860. The serine at codon 287 is replaced by phenylalanine, an amino acid with highly dissimilar properties. This amino acid position is conserved. In addition, this alteration is predicted to be deleterious by in silico analysis. Based on the available evidence, the clinical significance of this variant remains unclear.